The following is an entry in ClinVar:

NM_198525.3(KIF7):c.3772G>A (p.Ala1258Thr)

Gene: KIF7 (kinesin family member 7; minus strand). Cytogenetic location: 15q26.1.
Variant type: single nucleotide variant.
Coding change: c.3772G>A on transcript NM_198525.3 (MANE Select); coding-DNA position 3772, G replaced by A.
Protein change: p.Ala1258Thr; replaces alanine 1258 with threonine.
Molecular consequence: missense variant.
Genome position (GRCh38, 1-based): chr15:89,628,679, C>T on the plus strand (G>A on the coding strand, the complement: KIF7 is on the minus strand). VCF-style: chr15-89628679-C-T. GRCh37 (hg19) VCF-style: chr15-90171910-C-T.
Other names: short protein forms A1258T.
Identifiers: ClinVar variation 1714845 (VCV001714845.4), dbSNP rs1567056640, ClinGen allele CA393753366.

ClinVar aggregate classification (germline): Uncertain significance (1 of 4 stars; one submission).

Conditions:
Acrocallosal syndrome (ACLS). Also called: Schinzel syndrome 1; Absence of corpus callosum with unusual facial appearance, mental deficiency, duplication of the halluces and polydactyly; HALLUX DUPLICATION, POSTAXIAL POLYDACTYLY, AND ABSENCE OF CORPUS CALLOSUM. Identifiers: Orphanet 36, MedGen C0796147, MONDO:0008708, OMIM 200990.

gnomAD v4.1: 4 of 1,612,826 alleles (0.00025%); highest among the groups gnomAD compares: Non-Finnish European, 0.00034%; no homozygotes.

Submission:

Labcorp Genetics (formerly Invitae), Labcorp
Classification: Uncertain significance for Acrocallosal syndrome. Last evaluated: 2022-07-15. Review status: criteria provided, single submitter. Criteria: Invitae Variant Classification Sherloc (09022015). Collection method: clinical testing. Allele origin: germline.
Comment: In summary, the available evidence is currently insufficient to determine the role of this variant in disease. Therefore, it has been classified as a Variant of Uncertain Significance. Algorithms developed to predict the effect of missense changes on protein structure and function output the following: SIFT: "Tolerated"; PolyPhen-2: "Benign"; Align-GVGD: "Class C0". The threonine amino acid residue is found in multiple mammalian species, which suggests that this missense change does not adversely affect protein function. This sequence change replaces alanine, which is neutral and non-polar, with threonine, which is neutral and polar, at codon 1258 of the KIF7 protein (p.Ala1258Thr). This variant is not present in population databases (gnomAD no frequency). This variant has not been reported in the literature in individuals affected with KIF7-related conditions.